The following is an entry in ClinVar:

ClinVar aggregate classification (germline): Uncertain significance (1 of 4 stars; one submission).

Submission:

Labcorp Genetics (formerly Invitae), Labcorp
Classification: Uncertain significance. Last evaluated: 2024-11-15. Review status: criteria provided, single submitter. Criteria: Invitae Variant Classification Sherloc (09022015). Collection method: clinical testing. Allele origin: germline.
Comment: This sequence change falls in intron 17 of the COMP gene. It does not directly change the encoded amino acid sequence of the COMP protein. It affects a nucleotide within the consensus splice site. This variant is not present in population databases (gnomAD no frequency). This variant has not been reported in the literature in individuals affected with COMP-related conditions. Variants that disrupt the consensus splice site are a relatively common cause of aberrant splicing (PMID: 17576681, 9536098). Algorithms developed to predict the effect of sequence changes on RNA splicing suggest that this variant is not likely to affect RNA splicing. In summary, the available evidence is currently insufficient to determine the role of this variant in disease. Therefore, it has been classified as a Variant of Uncertain Significance.

Literature cited by the submitters: PubMed 17576681; PubMed 9536098.

NM_000095.3(COMP):c.2087+4G>A

Gene: COMP (cartilage oligomeric matrix protein; minus strand). Cytogenetic location: 19p13.11.
Variant type: single nucleotide variant.
Coding change: c.2087+4G>A on transcript NM_000095.3 (MANE Select); 4 bases into the intron after coding-DNA position 2087, G replaced by A.
Molecular consequence: intron variant.
Genome position (GRCh38, 1-based): chr19:18,784,187, C>T on the plus strand (G>A on the coding strand, the complement: COMP is on the minus strand). VCF-style: chr19-18784187-C-T. GRCh37 (hg19) VCF-style: chr19-18894997-C-T.
Identifiers: ClinVar variation 3603831 (VCV003603831.2).